The following is an entry in ClinVar:

NM_000552.5(VWF):c.1106C>T (p.Thr369Ile)

Gene: VWF (von Willebrand factor; minus strand). Cytogenetic location: 12p13.31.
Variant type: single nucleotide variant.
Coding change: c.1106C>T on transcript NM_000552.5 (MANE Select); coding-DNA position 1106, C replaced by T.
Protein change: p.Thr369Ile; replaces threonine 369 with isoleucine.
Molecular consequence: missense variant.
Genome position (GRCh38, 1-based): chr12:6,072,334, G>A on the plus strand (C>T on the coding strand, the complement: VWF is on the minus strand). VCF-style: chr12-6072334-G-A. GRCh37 (hg19) VCF-style: chr12-6181500-G-A.
Other names: short protein forms T369I.
Identifiers: ClinVar variation 4848407 (VCV004848407.1).

ClinVar aggregate classification (germline): Uncertain significance (1 of 4 stars; one submission).

gnomAD v4.1: 16 of 1,613,940 alleles (0.00099%); highest among the groups gnomAD compares: Non-Finnish European, 0.0014%; no homozygotes.

Submission:

Women's Health and Genetics/Laboratory Corporation of America, LabCorp
Classification: Uncertain significance. Last evaluated: 2026-04-20. Review status: criteria provided, single submitter. Criteria: LabCorp Variant Classification Summary - May 2015. Collection method: clinical testing. Allele origin: germline.
Comment: Variant summary: VWF c.1106C>T (p.Thr369Ile) results in a non-conservative amino acid change in the encoded protein sequence. Algorithms developed to predict the effect of missense changes on protein structure and function are either unavailable or do not agree on the potential impact of this missense change. The variant allele was found at a frequency of 4e-06 in 251184 control chromosomes. The available data on variant occurrences in the general population are insufficient to allow any conclusion about variant significance. To our knowledge, no occurrence of c.1106C>T in individuals affected with VWF-related conditions and no experimental evidence demonstrating its impact on protein function have been reported. No submitters have cited clinical-significance assessments for this variant to ClinVar. Based on the evidence outlined above, the variant was classified as uncertain significance.